The following is an entry in ClinVar:

NM_007294.4(BRCA1):c.-29C>G

Genes: BRCA1 (BRCA1 DNA repair associated; minus strand), LOC111589215 (BRCA1 promoter region; plus strand). Cytogenetic location: 17q21.31.
Variant type: single nucleotide variant.
Coding change: c.-29C>G on transcript NM_007294.4 (MANE Select); 29 bases upstream of the start codon, C replaced by G.
Molecular consequence: 5 prime UTR variant. On other transcripts: non-coding transcript variant (1).
Genome position (GRCh38, 1-based): chr17:43,125,280, G>C on the plus strand (C>G on the coding strand, the complement: BRCA1 is on the minus strand). VCF-style: chr17-43125280-G-C. GRCh37 (hg19) VCF-style: chr17-41277297-G-C.
Other names: c.-110C>G (NM_007297.4); c.-23C>G (NM_007299.4); c.-29C>G (NM_007300.4).
Identifiers: ClinVar variation 389168 (VCV000389168.1), dbSNP rs774839252, ClinGen allele CA055541.

ClinVar aggregate classification (germline): Likely benign (1 of 4 stars; one submission).

Allele frequency attached by ClinVar (database versions not stated): gnomAD exomes 0.00001; ExAC 0.00009.
gnomAD v4.1: 1 of 456,220 alleles (0.00022%); highest among the groups gnomAD compares: African/African-American, 0.002%; no homozygotes.

Submission:

GeneDx
Classification: Likely benign. Last evaluated: 2016-09-07. Review status: criteria provided, single submitter. Criteria: GeneDx Variant Classification (06012015). Collection method: clinical testing. Allele origin: germline. Affected: yes.
Comment: This variant is considered likely benign or benign based on one or more of the following criteria: it is a conservative change, it occurs at a poorly conserved position in the protein, it is predicted to be benign by multiple in silico algorithms, and/or has population frequency not consistent with disease.